The following is an entry in ClinVar:

ClinVar aggregate classification (germline): Uncertain significance (1 of 4 stars; one submission).

Conditions:
Mendelian susceptibility to mycobacterial diseases due to partial STAT1 deficiency. Also called: IMMUNODEFICIENCY 31A, MYCOBACTERIOSIS, AUTOSOMAL DOMINANT; STAT1 DEFICIENCY, AUTOSOMAL DOMINANT; Immunodeficiency 31a. Identifiers: Orphanet 319595, MedGen C4013950, MONDO:0013956, OMIM 614892.
Immunodeficiency 31B. Also called: IMMUNODEFICIENCY 31B, MYCOBACTERIAL AND VIRAL INFECTIONS, AUTOSOMAL RECESSIVE; STAT1 DEFICIENCY, AUTOSOMAL RECESSIVE. Identifiers: Orphanet 391311, MedGen C3151088, MONDO:0013427, OMIM 613796.
Autoimmune enteropathy and endocrinopathy - susceptibility to chronic infections syndrome. Also called: Immunodeficiency 31C; Immunodeficiency 31C, autosomal dominant. Identifiers: Orphanet 391487, MedGen C3279990, MONDO:0013599, OMIM 614162.

Allele frequency attached by ClinVar (database versions not stated): gnomAD exomes below 0.00001 and 0.00001; ExAC 0.00001.
gnomAD v4.1: 4 of 1,613,968 alleles (0.00025%); highest among the groups gnomAD compares: South Asian, 0.0011%; no homozygotes.

Submission:

Labcorp Genetics (formerly Invitae), Labcorp
Classification: Uncertain significance for Mendelian susceptibility to mycobacterial diseases due to partial STAT1 deficiency; Immunodeficiency 31B; Autoimmune enteropathy and endocrinopathy - susceptibility to chronic infections syndrome. Last evaluated: 2022-11-01. Review status: criteria provided, single submitter. Criteria: Invitae Variant Classification Sherloc (09022015). Collection method: clinical testing. Allele origin: germline.
Comment: This sequence change replaces valine, which is neutral and non-polar, with isoleucine, which is neutral and non-polar, at codon 445 of the STAT1 protein (p.Val445Ile). This variant is present in population databases (rs753695026, gnomAD 0.003%). This variant has not been reported in the literature in individuals affected with STAT1-related conditions. ClinVar contains an entry for this variant (Variation ID: 1481941). Algorithms developed to predict the effect of missense changes on protein structure and function (SIFT, PolyPhen-2, Align-GVGD) all suggest that this variant is likely to be tolerated. In summary, the available evidence is currently insufficient to determine the role of this variant in disease. Therefore, it has been classified as a Variant of Uncertain Significance.

NM_007315.4(STAT1):c.1333G>A (p.Val445Ile)

Gene: STAT1 (signal transducer and activator of transcription 1; minus strand). Cytogenetic location: 2q32.2.
Variant type: single nucleotide variant.
Coding change: c.1333G>A on transcript NM_007315.4 (MANE Select); coding-DNA position 1333, G replaced by A.
Protein change: p.Val445Ile; replaces valine 445 with isoleucine.
Molecular consequence: missense variant.
Genome position (GRCh38, 1-based): chr2:190,984,324, C>T on the plus strand (G>A on the coding strand, the complement: STAT1 is on the minus strand). VCF-style: chr2-190984324-C-T. GRCh37 (hg19) VCF-style: chr2-191849050-C-T.
Other names: c.1273G>A, p.Val425Ile (NM_001384880.1); c.1339G>A, p.Val447Ile (NM_001384881.1, NM_001384884.1); c.1327G>A, p.Val443Ile (NM_001384882.1); c.1234G>A, p.Val412Ile (NM_001384883.1); c.1174G>A, p.Val392Ile (NM_001384885.1); c.1333G>A, p.Val445Ile (NM_001384886.1, NM_001384889.1, NM_139266.3); c.1240G>A, p.Val414Ile (NM_001384887.1); c.1303G>A, p.Val435Ile (NM_001384888.1); and 2 more; short protein forms V412I, V414I, V447I, V415I, V457I, V392I, V425I, V445I.
Identifiers: ClinVar variation 1481941 (VCV001481941.8), dbSNP rs753695026, ClinGen allele CA2029963.
Genomic context (GRCh38, chr2:190,984,324, plus strand): 5'-AGTAAAAATAATGAAGTTTTCCAACTCGGGACCATAAAAGTCTTACCTCGAGGTCAATTA[C>T]CAAACCAGGCTGGCACAATTGGGTTTCAAAACTAAGGGAGTGAAGCTCTTCAGTAACGAT-3'
Protein context (NP_009330.1, residues 435-455): FETQLCQPGL[Val445Ile]IDLETTSLPV